The following is an entry in ClinVar:

ClinVar aggregate classification (germline): Uncertain significance. Review status: criteria provided, multiple submitters, no conflicts (2 of 4 stars). 2 submissions from 2 submitters: Uncertain significance (2). Last evaluated 2023-11-13.

Allele frequency attached by ClinVar (database versions not stated): TOPMed below 0.00001; gnomAD 0.00001; gnomAD exomes 0.00001.
gnomAD v4.1: 13 of 1,614,080 alleles (0.00081%); highest among the groups gnomAD compares: East Asian, 0.0045%; 1 homozygote.

Submissions (2):

GeneDx
Classification: Uncertain significance. Last evaluated: 2023-11-13. Review status: criteria provided, single submitter. Criteria: GeneDx Variant Classification Process June 2021. Collection method: clinical testing. Allele origin: germline. Affected: yes.
Comment: Not observed at significant frequency in large population cohorts (gnomAD); In silico analysis supports that this missense variant does not alter protein structure/function; Has not been previously published as pathogenic or benign to our knowledge

CeGaT Center for Human Genetics Tuebingen
Classification: Uncertain significance. Last evaluated: 2020-05-01. Review status: criteria provided, single submitter. Criteria: CeGaT Center For Human Genetics Tuebingen Variant Classification Criteria Version 2. Collection method: clinical testing. Allele origin: germline. Affected: yes. Observed: 2 variant alleles.

NM_021830.5(TWNK):c.1430G>A (p.Arg477His)

Gene: TWNK (twinkle mtDNA helicase; plus strand). Cytogenetic location: 10q24.31.
Variant type: single nucleotide variant.
Coding change: c.1430G>A on transcript NM_021830.5 (MANE Select); coding-DNA position 1430, G replaced by A.
Protein change: p.Arg477His; replaces arginine 477 with histidine.
Molecular consequence: missense variant. On other transcripts: non-coding transcript variant (5).
Genome position (GRCh38, 1-based): chr10:100,989,830, G>A. VCF-style: chr10-100989830-G-A. GRCh37 (hg19) VCF-style: chr10-102749587-G-A.
Other names: c.1430G>A (NM_021830.4); c.1430G>A, p.Arg477His (NM_001163812.2); c.68G>A, p.Arg23His (NM_001163813.2, NM_001163814.2, NM_001368275.1); short protein forms R23H, R477H.
Identifiers: ClinVar variation 916389 (VCV000916389.41), dbSNP rs1364676852, ClinGen allele CA378210887.